The following is an entry in ClinVar:

ClinVar aggregate classification (germline): Uncertain significance (1 of 4 stars; one submission).

Conditions:
Methylcobalamin deficiency type cblG (HMAG). Also called: HOMOCYSTINURIA-MEGALOBLASTIC ANEMIA, cblG TYPE; HOMOCYSTINURIA-MEGALOBLASTIC ANEMIA DUE TO DEFECT IN COBALAMIN METABOLISM, cblG COMPLEMENTATION TYPE; Functional methionine synthase deficiency type cblG; HOMOCYSTINURIA-MEGALOBLASTIC ANEMIA, cblG COMPLEMENTATION TYPE. Identifiers: Orphanet 2170, Orphanet 622, MedGen C1855128, MONDO:0009609, OMIM 250940.

gnomAD v4.1: 27 of 1,613,914 alleles (0.0017%); highest among the groups gnomAD compares: Non-Finnish European, 0.0021%; no homozygotes.

Submission:

Labcorp Genetics (formerly Invitae), Labcorp
Classification: Uncertain significance for Methylcobalamin deficiency type cblG. Last evaluated: 2024-04-22. Review status: criteria provided, single submitter. Criteria: Invitae Variant Classification Sherloc (09022015). Collection method: clinical testing. Allele origin: germline.
Comment: This sequence change replaces proline, which is neutral and non-polar, with leucine, which is neutral and non-polar, at codon 367 of the MTR protein (p.Pro367Leu). This variant is present in population databases (rs773581879, gnomAD 0.0009%). This variant has not been reported in the literature in individuals affected with MTR-related conditions. Advanced modeling of protein sequence and biophysical properties (such as structural, functional, and spatial information, amino acid conservation, physicochemical variation, residue mobility, and thermodynamic stability) performed at Invitae indicates that this missense variant is not expected to disrupt MTR protein function with a negative predictive value of 80%. In summary, the available evidence is currently insufficient to determine the role of this variant in disease. Therefore, it has been classified as a Variant of Uncertain Significance.

NM_000254.3(MTR):c.1100C>T (p.Pro367Leu)

Gene: MTR (5-methyltetrahydrofolate-homocysteine methyltransferase; plus strand). Cytogenetic location: 1q43.
Variant type: single nucleotide variant.
Coding change: c.1100C>T on transcript NM_000254.3 (MANE Select); coding-DNA position 1100, C replaced by T.
Protein change: p.Pro367Leu; replaces proline 367 with leucine.
Molecular consequence: missense variant. On other transcripts: intron variant (1).
Genome position (GRCh38, 1-based): chr1:236,831,990, C>T. VCF-style: chr1-236831990-C-T. GRCh37 (hg19) VCF-style: chr1-236995290-C-T.
Other names: c.1100C>T, p.Pro367Leu (NM_001291939.1, NM_001410942.1); c.-34+2722C>T (NM_001291940.2); short protein forms P367L.
Identifiers: ClinVar variation 3720998 (VCV003720998.2).